The following is an entry in ClinVar:

NM_001007527.2(LMBRD2):c.993G>C (p.Leu331Phe)

Gene: LMBRD2 (LMBR1 domain containing 2; minus strand). Cytogenetic location: 5p13.2.
Variant type: single nucleotide variant.
Coding change: c.993G>C on transcript NM_001007527.2 (MANE Select); coding-DNA position 993, G replaced by C.
Protein change: p.Leu331Phe; replaces leucine 331 with phenylalanine.
Molecular consequence: missense variant.
Genome position (GRCh38, 1-based): chr5:36,122,407, C>G on the plus strand (G>C on the coding strand, the complement: LMBRD2 is on the minus strand). VCF-style: chr5-36122407-C-G. GRCh37 (hg19) VCF-style: chr5-36122509-C-G.
Other names: short protein forms L331F.
Identifiers: ClinVar variation 4047673 (VCV004047673.3).

ClinVar aggregate classification (germline): Uncertain significance. Review status: criteria provided, multiple submitters, no conflicts (2 of 4 stars). 2 submissions from 2 submitters: Uncertain significance (2). Last evaluated 2025-03-17.

Conditions:
Developmental delay with variable neurologic and brain abnormalities (MLHNS). Also called: MALHOTRA NEURODEVELOPMENTAL SYNDROME. Identifiers: MedGen C5562060, MONDO:0859218, OMIM 619694.
Inborn genetic diseases. Identifiers: MedGen C0950123, MeSH D030342.

gnomAD v4.1: 1 of 1,613,316 alleles (0.000062%); highest among the groups gnomAD compares: East Asian, 0.0022%; no homozygotes.

Submissions (2):

Ambry Genetics
Classification: Uncertain significance for Inborn genetic diseases. Last evaluated: 2025-03-17. Review status: criteria provided, single submitter. Criteria: Ambry Variant Classification Scheme 2023. Collection method: clinical testing. Allele origin: germline.

Juno Genomics, Hangzhou Juno Genomics, Inc
Classification: Uncertain significance for Developmental delay with variable neurologic and brain abnormalities. Review status: criteria provided, single submitter. Criteria: ACMG Guidelines, 2015. Collection method: clinical testing. Allele origin: germline.
Comment: Absent from controls (or at extremely low frequency if recessive) in Genome Aggregation Database.